The following is an entry in ClinVar:

NM_000742.4(CHRNA2):c.965C>T (p.Ser322Leu)

Gene: CHRNA2 (cholinergic receptor nicotinic alpha 2 subunit; minus strand). Cytogenetic location: 8p21.2.
Variant type: single nucleotide variant.
Coding change: c.965C>T on transcript NM_000742.4 (MANE Select); coding-DNA position 965, C replaced by T.
Protein change: p.Ser322Leu; replaces serine 322 with leucine.
Molecular consequence: missense variant.
Genome position (GRCh38, 1-based): chr8:27,463,478, G>A on the plus strand (C>T on the coding strand, the complement: CHRNA2 is on the minus strand). VCF-style: chr8-27463478-G-A. GRCh37 (hg19) VCF-style: chr8-27320995-G-A.
Other names: c.965C>T (NM_000742.3); c.920C>T, p.Ser307Leu (NM_001282455.2); c.488C>T, p.Ser163Leu (NM_001347705.2, NM_001347706.2); c.371C>T, p.Ser124Leu (NM_001347707.2, NM_001347708.2); short protein forms S163L, S124L, S307L, S322L.
Identifiers: ClinVar variation 1350582 (VCV001350582.10), dbSNP rs775592017, ClinGen allele CA4689564.

ClinVar aggregate classification (germline): Uncertain significance. Review status: criteria provided, multiple submitters, no conflicts (2 of 4 stars). 2 submissions from 2 submitters: Uncertain significance (2). Last evaluated 2026-02-05.

Conditions:
Familial sleep-related hypermotor epilepsy. Also called: Autosomal Dominant Sleep-Related Hypermotor (Hyperkinetic) Epilepsy. Identifiers: Orphanet 98784, MedGen C3696898, MONDO:0000030.

Allele frequency attached by ClinVar (database versions not stated): gnomAD exomes below 0.00001 and 0.00001; TOPMed below 0.00001; ExAC 0.00001.
gnomAD v4.1: 6 of 1,614,210 alleles (0.00037%); highest among the groups gnomAD compares: Admixed American, 0.0017%; no homozygotes.

Submissions (2):

GeneDx
Classification: Uncertain significance. Last evaluated: 2026-02-05. Review status: criteria provided, single submitter. Criteria: GeneDx Variant Classification Process June 2021. Collection method: clinical testing. Allele origin: germline.
Comment: Not observed at significant frequency in large population cohorts (gnomAD); In silico analysis supports that this missense variant has a deleterious effect on protein structure/function; Has not been previously published as pathogenic or benign to our knowledge

Labcorp Genetics (formerly Invitae), Labcorp
Classification: Uncertain significance. Last evaluated: 2025-10-22. Review status: criteria provided, single submitter. Criteria: Invitae Variant Classification Sherloc (09022015). Collection method: clinical testing. Allele origin: germline.
Comment: This sequence change replaces serine, which is neutral and polar, with leucine, which is neutral and non-polar, at codon 322 of the CHRNA2 protein (p.Ser322Leu). This variant is present in population databases (rs775592017, gnomAD 0.003%). This variant has not been reported in the literature in individuals affected with CHRNA2-related conditions. ClinVar contains an entry for this variant (Variation ID: 1350582). Invitae Evidence Modeling of protein sequence and biophysical properties (such as structural, functional, and spatial information, amino acid conservation, physicochemical variation, residue mobility, and thermodynamic stability) indicates that this missense variant is expected to disrupt CHRNA2 protein function with a positive predictive value of 80%. In summary, the available evidence is currently insufficient to determine the role of this variant in disease. Therefore, it has been classified as a Variant of Uncertain Significance.